The following is an entry in ClinVar:

ClinVar aggregate classification (germline): Conflicting classifications of pathogenicity. Review status: criteria provided, conflicting classifications (1 of 4 stars). 2 submissions from 2 submitters: Uncertain significance (1); Likely benign (1). Last evaluated 2025-01-17.

Conditions:
Hereditary cancer-predisposing syndrome. Also called: Hereditary Cancer Syndrome; Hereditary neoplastic syndrome; Neoplastic Syndromes, Hereditary; Tumor predisposition. Identifiers: Orphanet 140162, MedGen C0027672, MeSH D009386, MONDO:0015356.

Allele frequency attached by ClinVar (database versions not stated): gnomAD exomes below 0.00001.
gnomAD v4.1: 1 of 1,604,716 alleles (0.000062%); highest among the groups gnomAD compares: Admixed American, 0.0017%; no homozygotes.

Submissions (2):

Ambry Genetics
Classification: Likely benign for Hereditary cancer-predisposing syndrome. Last evaluated: 2025-01-17. Review status: criteria provided, single submitter. Criteria: Ambry Variant Classification Scheme 2023. Collection method: clinical testing. Allele origin: germline.

Labcorp Genetics (formerly Invitae), Labcorp
Classification: Uncertain significance. Last evaluated: 2023-11-03. Review status: criteria provided, single submitter. Criteria: Invitae Variant Classification Sherloc (09022015). Collection method: clinical testing. Allele origin: germline.
Comment: This sequence change replaces glycine, which is neutral and non-polar, with aspartic acid, which is acidic and polar, at codon 2285 of the POLE protein (p.Gly2285Asp). This variant is present in population databases (no rsID available, gnomAD 0.003%). This variant has not been reported in the literature in individuals affected with POLE-related conditions. ClinVar contains an entry for this variant (Variation ID: 405873). An algorithm developed to predict the effect of missense changes on protein structure and function (PolyPhen-2) suggests that this variant is likely to be tolerated. In summary, the available evidence is currently insufficient to determine the role of this variant in disease. Therefore, it has been classified as a Variant of Uncertain Significance.

NM_006231.4(POLE):c.6854G>A (p.Gly2285Asp)

Gene: POLE (DNA polymerase epsilon, catalytic subunit; minus strand). Cytogenetic location: 12q24.33.
Variant type: single nucleotide variant.
Coding change: c.6854G>A on transcript NM_006231.4 (MANE Select); coding-DNA position 6854, G replaced by A.
Protein change: p.Gly2285Asp; replaces glycine 2285 with aspartic acid.
Molecular consequence: missense variant.
Genome position (GRCh38, 1-based): chr12:132,624,704, C>T on the plus strand (G>A on the coding strand, the complement: POLE is on the minus strand). VCF-style: chr12-132624704-C-T. GRCh37 (hg19) VCF-style: chr12-133201290-C-T.
Other names: short protein forms G2285D.
Identifiers: ClinVar variation 405873 (VCV000405873.9), dbSNP rs1060500879, ClinGen allele CA16613750.